The following is an entry in ClinVar:

NM_001987.5(ETV6):c.55C>T (p.Pro19Ser)

Gene: ETV6 (ETS variant transcription factor 6; plus strand). Cytogenetic location: 12p13.2.
Variant type: single nucleotide variant.
Coding change: c.55C>T on transcript NM_001987.5 (MANE Select); coding-DNA position 55, C replaced by T.
Protein change: p.Pro19Ser; replaces proline 19 with serine.
Molecular consequence: missense variant. On other transcripts: intron variant (1).
Genome position (GRCh38, 1-based): chr12:11,752,471, C>T. VCF-style: chr12-11752471-C-T. GRCh37 (hg19) VCF-style: chr12-11905405-C-T.
Other names: c.52C>T, p.Pro18Ser (NM_001413913.1); c.28C>T, p.Pro10Ser (NM_001413914.1); c.55C>T, p.Pro19Ser (NM_001413916.1, NM_001413917.1, NM_001413918.1); c.-101-86669C>T (NM_001413915.1); short protein forms P10S, P18S, P19S.
Identifiers: ClinVar variation 2877046 (VCV002877046.3), dbSNP rs2121067453, ClinGen allele CA384041491.
Genomic context (GRCh38, chr12:11,752,471, plus strand): 5'-TCTCTCCCCCTCCCCTCTTCCTGCCCTTATTTTTAACAGCAGGAACGAATTTCATATACA[C>T]CTCCAGAGAGCCCAGTGCCGAGTTACGCTTCCTCGACGCCACTTCATGTTCCAGTGCCTC-3'
Protein context (NP_001978.1, residues 9-29): SIKQERISYT[Pro19Ser]PESPVPSYAS

ClinVar aggregate classification (germline): Uncertain significance (1 of 4 stars; one submission).

Submission:

Labcorp Genetics (formerly Invitae), Labcorp
Classification: Uncertain significance. Last evaluated: 2023-11-17. Review status: criteria provided, single submitter. Criteria: Invitae Variant Classification Sherloc (09022015). Collection method: clinical testing. Allele origin: germline.
Comment: This sequence change replaces proline, which is neutral and non-polar, with serine, which is neutral and polar, at codon 19 of the ETV6 protein (p.Pro19Ser). This variant is not present in population databases (gnomAD no frequency). This variant has not been reported in the literature in individuals affected with ETV6-related conditions. An algorithm developed to predict the effect of missense changes on protein structure and function (PolyPhen-2) suggests that this variant is likely to be disruptive. In summary, the available evidence is currently insufficient to determine the role of this variant in disease. Therefore, it has been classified as a Variant of Uncertain Significance.